The following is an entry in ClinVar:

NM_007294.4(BRCA1):c.4987A>T (p.Met1663Leu)

Gene: BRCA1 (BRCA1 DNA repair associated; minus strand). Cytogenetic location: 17q21.31.
Variant type: single nucleotide variant.
Coding change: c.4987A>T on transcript NM_007294.4 (MANE Select); coding-DNA position 4987, A replaced by T.
Protein change: p.Met1663Leu; replaces methionine 1663 with leucine.
Molecular consequence: missense variant. On other transcripts: non-coding transcript variant (1).
Genome position (GRCh38, 1-based): chr17:43,067,695, T>A on the plus strand (A>T on the coding strand, the complement: BRCA1 is on the minus strand). VCF-style: chr17-43067695-T-A. GRCh37 (hg19) VCF-style: chr17-41219712-T-A.
Other names: 5106A>T; c.4981A>T, p.Met1661Leu (NM_001407640.1, NM_001407641.1, NM_001407642.1 and 14 more transcripts); c.4978A>T, p.Met1660Leu (NM_001407644.1, NM_001407645.1); c.4975A>T, p.Met1659Leu (NM_001407646.1); c.4972A>T, p.Met1658Leu (NM_001407647.1); c.4930A>T, p.Met1644Leu (NM_001407648.1); c.4927A>T, p.Met1643Leu (NM_001407649.1); c.4987A>T, p.Met1663Leu (NM_001407652.1, NM_001407854.1, NM_001407684.1 and 8 more transcripts); and 71 more; short protein forms M1663L, M1616L, M1684L, M559L, M1367L, M1494L, M1536L, M1591L.
Identifiers: ClinVar variation 55348 (VCV000055348.15), dbSNP rs80357117, ClinGen allele CA003139.

ClinVar aggregate classification (germline): Uncertain significance. Review status: criteria provided, single submitter (1 of 4 stars). 3 submissions from 3 submitters: Uncertain significance (1). 2 of the submissions do not count toward it. Last evaluated 2019-07-20.

Conditions:
Breast-ovarian cancer, familial, susceptibility to, 1 (BROVCA1). Also called: BRCA1 Hereditary Breast and Ovarian Cancer; OVARIAN CANCER, SUSCEPTIBILITY TO. Identifiers: Orphanet 145, MedGen C2676676, MONDO:0011450, OMIM 604370. Disease mechanism: loss of function.
Hereditary breast ovarian cancer syndrome. Also called: BRCA1- and BRCA2-Associated Hereditary Breast and Ovarian Cancer; Hereditary breast and ovarian cancer syndrome; Hereditary breast and ovarian cancer syndrome (HBOC); Breast and ovarian cancer; Hereditary breast and/or ovarian cancer syndrome; Hereditary breast and ovarian cancer. Identifiers: Orphanet 145, MedGen C0677776, MeSH D061325, MONDO:0003582. Disease mechanism: loss of function.

Submissions (4):

Labcorp Genetics (formerly Invitae), Labcorp
Classification: Uncertain significance for Hereditary breast ovarian cancer syndrome. Last evaluated: 2019-07-20. Review status: criteria provided, single submitter. Criteria: Invitae Variant Classification Sherloc (09022015). Collection method: clinical testing. Allele origin: germline.
Comment: In summary, the available evidence is currently insufficient to determine the role of this variant in disease. Therefore, it has been classified as a Variant of Uncertain Significance. Experimental studies have shown that this variant disrupts mRNA splicing (PMID: 25724305). This variant has been reported to have conflicting or insufficient data to determine the effect on BRCA1 protein function (PMID: 30209399, 20516115, 20378548). This variant has been reported in individuals in the Leiden Open-source Variation Database (PMID: 21520333). ClinVar contains an entry for this variant (Variation ID: 55348). This variant is not present in population databases (ExAC no frequency). This sequence change replaces methionine with leucine at codon 1663 of the BRCA1 protein (p.Met1663Leu). The methionine residue is moderately conserved and there is a small physicochemical difference between methionine and leucine.

Sharing Clinical Reports Project (SCRP)
Classification: Uncertain significance for Breast-ovarian cancer, familial 1. Last evaluated: 2013-04-12. Review status: no assertion criteria provided. Collection method: clinical testing. Allele origin: germline. Not counted in ClinVar's aggregate classification.

Breast Cancer Information Core (BIC) (BRCA1)
Classification: Uncertain significance for Breast-ovarian cancer, familial 1. Last evaluated: 2003-12-23. Review status: no assertion criteria provided. Collection method: clinical testing. Allele origin: germline. Affected: yes. Observed: 1 variant allele. Not counted in ClinVar's aggregate classification.

Brotman Baty Institute, University of Washington
No classification provided (evidence only). Condition: Breast-ovarian cancer, familial 1. Review status: no classification provided. Collection method: in vitro. Allele origin: not applicable. Functional consequence: functionally_abnormal. Not counted in ClinVar's aggregate classification.
ClinVar note: "not provided" was previously submitted as the classification for the variant. However, the classification appeared to be based only on an observation of functional data so it was converted to no classification on 2025-07-30.

Literature cited by the submitters: PubMed 25724305 (cited by Labcorp Genetics (formerly Invitae), Labcorp); PubMed 30209399 (cited by Labcorp Genetics (formerly Invitae), Labcorp); PubMed 20516115 (cited by Labcorp Genetics (formerly Invitae), Labcorp); PubMed 20378548 (cited by Labcorp Genetics (formerly Invitae), Labcorp); PubMed 21520333 (cited by Labcorp Genetics (formerly Invitae), Labcorp).